The following is an entry in ClinVar:

NM_052867.4(NALCN):c.2495A>G (p.Tyr832Cys)

Gene: NALCN (sodium leak channel, non-selective; minus strand). Cytogenetic location: 13q33.1.
Variant type: single nucleotide variant.
Coding change: c.2495A>G on transcript NM_052867.4 (MANE Select); coding-DNA position 2495, A replaced by G.
Protein change: p.Tyr832Cys; replaces tyrosine 832 with cysteine.
Molecular consequence: missense variant.
Genome position (GRCh38, 1-based): chr13:101,107,571, T>C on the plus strand (A>G on the coding strand, the complement: NALCN is on the minus strand). VCF-style: chr13-101107571-T-C. GRCh37 (hg19) VCF-style: chr13-101759922-T-C.
Other names: c.2582A>G, p.Tyr861Cys (NM_001350748.2); c.2495A>G, p.Tyr832Cys (NM_001350749.2); c.2408A>G, p.Tyr803Cys (NM_001350750.2, NM_001350751.2); short protein forms Y803C, Y832C, Y861C.
Identifiers: ClinVar variation 756696 (VCV000756696.16), dbSNP rs549182297, ClinGen allele CA7035689.

ClinVar aggregate classification (germline): Conflicting classifications of pathogenicity. Review status: criteria provided, conflicting classifications (1 of 4 stars). 5 submissions from 5 submitters: Uncertain significance (1); Likely benign (2). 2 of the submissions do not count toward it. Last evaluated 2025-12-05.

Conditions:
NALCN-related disorder. Also called: NALCN-related disorders; NALCN-related condition.

Allele frequency attached by ClinVar (database versions not stated): gnomAD exomes 0.00070 and 0.00038; ExAC 0.00080; 1000 Genomes Project 0.00140; 1000 Genomes Project 30x 0.00156; TOPMed 0.00002; gnomAD 0.00003.
gnomAD v4.1: 588 of 1,614,102 alleles (0.036%); highest among the groups gnomAD compares: South Asian, 0.6%; 8 homozygotes.

Submissions (5):

Labcorp Genetics (formerly Invitae), Labcorp
Classification: Likely benign. Last evaluated: 2025-12-05. Review status: criteria provided, single submitter. Criteria: Invitae Variant Classification Sherloc (09022015). Collection method: clinical testing. Allele origin: germline.

Revvity Omics, Revvity
Classification: Uncertain significance. Last evaluated: 2023-10-26. Review status: criteria provided, single submitter. Criteria: ACMG Guidelines, 2015. Collection method: clinical testing. Allele origin: germline.

Dubai Health Genomic Medicine Center, Dubai Health
Classification: Likely benign. Last evaluated: 2020-09-24. Review status: criteria provided, single submitter. Criteria: ACMG Guidelines, 2015. Collection method: clinical testing. Allele origin: germline. Affected: yes.

PreventionGenetics, part of Exact Sciences
Classification: Likely benign for NALCN-related condition. Last evaluated: 2023-03-28. Review status: no assertion criteria provided. Collection method: clinical testing. Allele origin: germline. Not counted in ClinVar's aggregate classification.
Comment: This variant is classified as likely benign based on ACMG/AMP sequence variant interpretation guidelines (Richards et al. 2015 PMID: 25741868, with internal and published modifications).

Department of Pathology and Laboratory Medicine, Sinai Health System
Classification: Uncertain significance. Review status: no assertion criteria provided. Collection method: clinical testing. Allele origin: unknown. Affected: yes. Study: The Canadian Open Genetics Repository (COGR). Not counted in ClinVar's aggregate classification.
Comment: The NALCN p.Y832C variant was not identified in the literature but was identified in dbSNP (ID: rs549182297) and ClinVar (classified as likely benign by Invitae). The variant was identified in control databases in 176 of 282618 chromosomes (1 homozygous) at a frequency of 0.0006227, and was observed at the highest frequency in the South Asian population in 171 of 30614 chromosomes (1 homozygous) (freq: 0.005586) (Genome Aggregation Database March 6, 2019, v2.1.1). The p.Y832 residue is conserved in mammals and more distantly related organisms, and computational analyses (MUT Assesor, PolyPhen-2, SIFT, MutationTaster, Revel, FATHMM, MetaLR, DANN) suggest that the variant may impact the protein; however, this information is not predictive enough to assume pathogenicity. The variant occurs outside of the splicing consensus sequence and in silico or computational prediction software programs (Splice AI exome) do not predict a deleterious effect on splicing. In summary, based on the above information the clinical significance of this variant cannot be determined with certainty at this time. This variant is classified as a variant of uncertain significance.